The following is an entry in ClinVar:

ClinVar aggregate classification (germline): Uncertain significance (1 of 4 stars; one submission).

Conditions:
TP63-Related Spectrum Disorders.

Allele frequency attached by ClinVar (database versions not stated): gnomAD exomes below 0.00001; ExAC 0.00001.
gnomAD v4.1: 2 of 1,613,980 alleles (0.00012%); highest among the groups gnomAD compares: Admixed American, 0.0033%; no homozygotes.

Submission:

Labcorp Genetics (formerly Invitae), Labcorp
Classification: Uncertain significance. Last evaluated: 2022-10-27. Review status: criteria provided, single submitter. Criteria: Invitae Variant Classification Sherloc (09022015). Collection method: clinical testing. Allele origin: germline.
Comment: In summary, the available evidence is currently insufficient to determine the role of this variant in disease. Therefore, it has been classified as a Variant of Uncertain Significance. Algorithms developed to predict the effect of missense changes on protein structure and function (SIFT, PolyPhen-2, Align-GVGD) all suggest that this variant is likely to be tolerated. This variant has not been reported in the literature in individuals affected with TP63-related conditions. This variant is present in population databases (rs777769671, gnomAD 0.006%). This sequence change replaces proline, which is neutral and non-polar, with leucine, which is neutral and non-polar, at codon 65 of the TP63 protein (p.Pro65Leu).

NM_003722.5(TP63):c.194C>T (p.Pro65Leu)

Gene: TP63 (tumor protein p63; plus strand). Cytogenetic location: 3q28.
Variant type: single nucleotide variant.
Coding change: c.194C>T on transcript NM_003722.5 (MANE Select); coding-DNA position 194, C replaced by T.
Protein change: p.Pro65Leu; replaces proline 65 with leucine.
Molecular consequence: missense variant.
Genome position (GRCh38, 1-based): chr3:189,738,644, C>T. VCF-style: chr3-189738644-C-T. GRCh37 (hg19) VCF-style: chr3-189456433-C-T.
Other names: c.194C>T, p.Pro65Leu (NM_001114978.2, NM_001114979.2, NM_001329144.2 and 1 more transcripts); c.188C>T, p.Pro63Leu (NM_001329964.2); short protein forms P63L, P65L.
Identifiers: ClinVar variation 2728047 (VCV002728047.2), dbSNP rs777769671, ClinGen allele CA2752055.